The following is an entry in ClinVar:

NM_013450.4(BAZ2B):c.4827T>C (p.Pro1609=)

Genes: BAZ2B (bromodomain adjacent to zinc finger domain 2B; minus strand), LOC126806390 (CDK7 strongly-dependent group 2 enhancer GRCh37_chr2:160205700-160206899; plus strand). Cytogenetic location: 2q24.2.
Variant type: single nucleotide variant.
Coding change: c.4827T>C on transcript NM_013450.4 (MANE Select); coding-DNA position 4827, T replaced by C.
Protein change: p.Pro1609=; no amino-acid change (proline 1609 retained).
Molecular consequence: synonymous variant.
Genome position (GRCh38, 1-based): chr2:159,349,744, A>G on the plus strand (T>C on the coding strand, the complement: BAZ2B is on the minus strand). VCF-style: chr2-159349744-A-G. GRCh37 (hg19) VCF-style: chr2-160206255-A-G.
Other names: c.4719T>C, p.Pro1573= (NM_001289975.1); c.4665T>C, p.Pro1555= (NM_001329857.2); c.4752T>C, p.Pro1584= (NM_001329858.2).
Identifiers: ClinVar variation 4085935 (VCV004085935.8).

ClinVar aggregate classification (germline): Likely benign (1 of 4 stars; one submission).

gnomAD v4.1: 4 of 1,614,072 alleles (0.00025%); highest among the groups gnomAD compares: Non-Finnish European, 0.00034%; no homozygotes.

Submission:

CeGaT Center for Human Genetics Tuebingen
Classification: Likely benign. Last evaluated: 2025-08-01. Review status: criteria provided, single submitter. Criteria: CeGaT Center For Human Genetics Tuebingen Variant Classification Criteria Version 2. Collection method: clinical testing. Allele origin: germline. Affected: yes. Observed: 1 variant allele.
Comment: BAZ2B: BP4, BP7